The following is an entry in ClinVar:

ClinVar aggregate classification (germline): Uncertain significance (1 of 4 stars; one submission).

Allele frequency attached by ClinVar (database versions not stated): gnomAD exomes below 0.00001.
gnomAD v4.1: 1 of 1,501,498 alleles (0.000067%); highest among the groups gnomAD compares: Admixed American, 0.0021%; no homozygotes.

Submission:

Labcorp Genetics (formerly Invitae), Labcorp
Classification: Uncertain significance. Last evaluated: 2021-05-19. Review status: criteria provided, single submitter. Criteria: Invitae Variant Classification Sherloc (09022015). Collection method: clinical testing. Allele origin: germline.
Comment: This variant has not been reported in the literature in individuals with SPEG-related conditions. The frequency data for this variant in the population databases is considered unreliable, as metrics indicate insufficient coverage at this position in the ExAC database. This sequence change replaces proline with leucine at codon 2048 of the SPEG protein (p.Pro2048Leu). The proline residue is highly conserved and there is a moderate physicochemical difference between proline and leucine. Algorithms developed to predict the effect of missense changes on protein structure and function are either unavailable or do not agree on the potential impact of this missense change (SIFT: "Deleterious"; PolyPhen-2: "Possibly Damaging"; Align-GVGD: "Class C0"). In summary, the available evidence is currently insufficient to determine the role of this variant in disease. Therefore, it has been classified as a Variant of Uncertain Significance.

NM_005876.5(SPEG):c.6143C>T (p.Pro2048Leu)

Genes: ASIC4-AS1 (ASIC4 antisense RNA 1; minus strand), SPEG (striated muscle enriched protein kinase; plus strand). Cytogenetic location: 2q35.
Variant type: single nucleotide variant.
Coding change: c.6143C>T on transcript NM_005876.5 (MANE Select); coding-DNA position 6143, C replaced by T.
Protein change: p.Pro2048Leu; replaces proline 2048 with leucine.
Molecular consequence: missense variant.
Genome position (GRCh38, 1-based): chr2:219,483,606, C>T. VCF-style: chr2-219483606-C-T. GRCh37 (hg19) VCF-style: chr2-220348328-C-T.
Other names: short protein forms P2048L.
Identifiers: ClinVar variation 1428726 (VCV001428726.8), dbSNP rs1337207794, ClinGen allele CA350696860.